The following is an entry in ClinVar:

ClinVar aggregate classification (germline): Uncertain significance. Review status: criteria provided, multiple submitters, no conflicts (2 of 4 stars). 2 submissions from 2 submitters: Uncertain significance (2). Last evaluated 2020-02-06.

Conditions:
Hereditary spastic paraplegia 8 (SPG8). Also called: SPASTIC PARAPLEGIA 8, AUTOSOMAL DOMINANT. Identifiers: Orphanet 100989, MedGen C1863704, MONDO:0011339, OMIM 603563.
Ritscher-Schinzel syndrome. Also called: CRANIOCEREBELLOCARDIAC DYSPLASIA. Identifiers: Orphanet 7, MedGen C0796137, MONDO:0019078.
Hereditary spastic paraplegia. Also called: Familial spastic paraparesis. Identifiers: Orphanet 685, MedGen C0037773, MONDO:0019064. Disease mechanism: loss of function.

Allele frequency attached by ClinVar (database versions not stated): gnomAD exomes below 0.00001 and 0.00001; gnomAD 0.00001; TOPMed 0.00001.
gnomAD v4.1: 11 of 1,613,722 alleles (0.00068%); highest among the groups gnomAD compares: Admixed American, 0.0017%; no homozygotes.

Submissions (2):

Labcorp Genetics (formerly Invitae), Labcorp
Classification: Uncertain significance for Ritscher-Schinzel syndrome; Hereditary spastic paraplegia 8. Last evaluated: 2020-02-06. Review status: criteria provided, single submitter. Criteria: Invitae Variant Classification Sherloc (09022015). Collection method: clinical testing. Allele origin: germline.
Comment: This sequence change replaces glutamine with arginine at codon 48 of the WASHC5 protein (p.Gln48Arg). The glutamine residue is moderately conserved and there is a small physicochemical difference between glutamine and arginine. This variant is not present in population databases (ExAC no frequency). This variant has not been reported in the literature in individuals with WASHC5-related conditions. Algorithms developed to predict the effect of missense changes on protein structure and function (SIFT, PolyPhen-2, Align-GVGD) all suggest that this variant is likely to be tolerated, but these predictions have not been confirmed by published functional studies and their clinical significance is uncertain. In summary, the available evidence is currently insufficient to determine the role of this variant in disease. Therefore, it has been classified as a Variant of Uncertain Significance.

Genome Diagnostics Laboratory, The Hospital for Sick Children
Classification: Uncertain significance for Hereditary spastic paraplegia. Last evaluated: 2016-12-12. Review status: criteria provided, single submitter. Criteria: ACMG Guidelines, 2015. Collection method: clinical testing. Allele origin: germline. Affected: yes.

NM_014846.4(WASHC5):c.143A>G (p.Gln48Arg)

Gene: WASHC5 (WASH complex subunit 5; minus strand). Cytogenetic location: 8q24.13.
Variant type: single nucleotide variant.
Coding change: c.143A>G on transcript NM_014846.4 (MANE Select); coding-DNA position 143, A replaced by G.
Protein change: p.Gln48Arg; replaces glutamine 48 with arginine.
Molecular consequence: missense variant. On other transcripts: intron variant (1).
Genome position (GRCh38, 1-based): chr8:125,083,756, T>C on the plus strand (A>G on the coding strand, the complement: WASHC5 is on the minus strand). VCF-style: chr8-125083756-T-C. GRCh37 (hg19) VCF-style: chr8-126095998-T-C.
Other names: c.-258-498A>G (NM_001330609.2); short protein forms Q48R.
Identifiers: ClinVar variation 1014644 (VCV001014644.11), dbSNP rs1357562835, ClinGen allele CA372268211.